The following is an entry in ClinVar:

ClinVar aggregate classification (germline): Likely pathogenic (1 of 4 stars; one submission).

Conditions:
Dilated cardiomyopathy 1G (CMD1G). Identifiers: Orphanet 154, MedGen C1858763, MONDO:0011400, OMIM 604145.

Submission:

KardioGenetik, Herz- und Diabeteszentrum NRW
Classification: Likely pathogenic for Dilated cardiomyopathy 1G. Last evaluated: 2024-04-18. Review status: criteria provided, single submitter. Criteria: ACMG Guidelines, 2015. Collection method: clinical testing. Allele origin: maternal. Observed: 1 variant allele.
Comment: PVS1, PM2

NM_001267550.2(TTN):c.46905T>A (p.Tyr15635Ter)

Genes: TTN (titin; minus strand), TTN-AS1 (TTN antisense RNA 1; plus strand). Cytogenetic location: 2q31.2.
Variant type: single nucleotide variant.
Coding change: c.46905T>A on transcript NM_001267550.2 (MANE Select); coding-DNA position 46905, T replaced by A.
Protein change: p.Tyr15635Ter; replaces tyrosine 15635 with a stop codon.
Molecular consequence: nonsense.
Genome position (GRCh38, 1-based): chr2:178,618,645, A>T on the plus strand (T>A on the coding strand, the complement: TTN is on the minus strand). VCF-style: chr2-178618645-A-T. GRCh37 (hg19) VCF-style: chr2-179483372-A-T.
Other names: c.41982T>A, p.Tyr13994Ter (NM_001256850.1); c.19710T>A, p.Tyr6570Ter (NM_003319.4); c.39201T>A, p.Tyr13067Ter (NM_133378.4); c.20085T>A, p.Tyr6695Ter (NM_133432.3); c.20286T>A, p.Tyr6762Ter (NM_133437.4); short protein forms Y13067*, Y13994*, Y15635*, Y6570*, Y6695*, Y6762*.
Identifiers: ClinVar variation 3238949 (VCV003238949.1), dbSNP rs759353324.